The following is an entry in ClinVar:

NM_001267550.2(TTN):c.30683-3del

Gene: TTN (titin; minus strand). Cytogenetic location: 2q31.2.
Variant type: Deletion.
Coding change: c.30683-3del on transcript NM_001267550.2 (MANE Select); 3 bases into the intron before coding-DNA position 30683, one base deleted (T; older notation c.30683-3delT).
Molecular consequence: intron variant.
Genome position (GRCh38, 1-based): chr2:178,698,917, A deleted on the plus strand (T on the coding strand, the reverse complement: TTN is on the minus strand); the first of 15 consecutive A bases (chr2:178,698,917-178,698,931); deleting any one gives the same sequence. VCF-style (leftmost placement, unchanged base first): chr2-178698916-TA-T. GRCh37 (hg19) VCF-style: chr2-179563643-TA-T.
Other names: p.?; c.30683-3delT (NM_001267550.2); c.26951-3delT (NM_133378.4); c.13282+39165del (NM_003319.4); c.13858+39165del (NM_133437.4); c.13657+39165del (NM_133432.3); c.26951-3del (NM_133378.4); c.29732-3del (NM_001256850.1).
Identifiers: ClinVar variation 332897 (VCV000332897.22), dbSNP rs368277751, ClinGen allele CA1999051.

ClinVar aggregate classification (germline): Benign/Likely benign. Review status: criteria provided, multiple submitters, no conflicts (2 of 4 stars). 11 submissions from 11 submitters: Benign (5); Likely benign (2). 4 of the submissions do not count toward it. Last evaluated 2025-04-09.

Conditions:
Cardiomyopathy (CMYO). Also called: Cardiomyopathies. Identifiers: Orphanet 167848, MedGen C0878544, MONDO:0004994, HP:0001638. Inheritance: Various modes of inheritance.
Dilated cardiomyopathy 1G (CMD1G). Identifiers: Orphanet 154, MedGen C1858763, MONDO:0011400, OMIM 604145.
Autosomal recessive limb-girdle muscular dystrophy type 2J (LGMDR10). Also called: Limb-girdle muscular dystrophy, type 2J; MUSCULAR DYSTROPHY, LIMB-GIRDLE, AUTOSOMAL RECESSIVE 10. Identifiers: Orphanet 140922, MedGen C1837342, MONDO:0012127, OMIM 608807.
Hypertrophic cardiomyopathy 2. Also called: TNNT2-Related Familial Hypertrophic Cardiomyopathy. Identifiers: MedGen C1861864, MONDO:0007266, OMIM 115195.

Submissions (11):

Molecular Diagnostic Laboratory for Inherited Cardiovascular Disease, Montreal Heart Institute
Classification: Benign. Last evaluated: 2025-04-09. Review status: criteria provided, single submitter. Criteria: ACMG Guidelines, 2015. Collection method: clinical testing. Allele origin: germline. Affected: no.

Blueprint Genetics
Classification: Likely benign. Last evaluated: 2024-11-26. Review status: criteria provided, single submitter. Criteria: ACMG Guidelines, 2015. Collection method: clinical testing. Allele origin: germline.

Mayo Clinic Laboratories, Mayo Clinic
Classification: Benign. Last evaluated: 2022-06-15. Review status: criteria provided, single submitter. Criteria: ACMG Guidelines, 2015. Collection method: clinical testing. Allele origin: germline. Observed: 1,208 variant alleles.
Comment: BA1

Women's Health and Genetics/Laboratory Corporation of America, LabCorp
Classification: Benign. Last evaluated: 2020-04-04. Review status: criteria provided, single submitter. Criteria: LabCorp Variant Classification Summary - May 2015. Collection method: clinical testing. Allele origin: germline.

Labcorp Genetics (formerly Invitae), Labcorp
Classification: Benign for Dilated cardiomyopathy 1G; Limb-girdle muscular dystrophy, type 2J. Last evaluated: 2019-12-31. Review status: criteria provided, single submitter. Criteria: Invitae Variant Classification Sherloc (09022015). Collection method: clinical testing. Allele origin: germline.

Mendelics
Classification: Likely benign for Dilated cardiomyopathy 1G. Last evaluated: 2019-05-28. Review status: criteria provided, single submitter. Criteria: Mendelics Assertion Criteria 2017. Collection method: clinical testing. Allele origin: unknown.

CHEO Genetics Diagnostic Laboratory, Children's Hospital of Eastern Ontario
Classification: Benign for Cardiomyopathy. Last evaluated: 2019-05-06. Review status: criteria provided, single submitter. Criteria: ACMG Guidelines, 2015. Collection method: clinical testing. Allele origin: germline.

Clinical Genetics DNA and cytogenetics Diagnostics Lab, Erasmus MC, Erasmus Medical Center
Classification: Benign. Review status: no assertion criteria provided. Collection method: clinical testing. Allele origin: germline. Affected: yes. Study: VKGL Data-share Consensus. Not counted in ClinVar's aggregate classification.

Clinical Genetics, Academic Medical Center
Classification: Benign. Review status: no assertion criteria provided. Collection method: clinical testing. Allele origin: germline. Affected: yes. Study: VKGL Data-share Consensus. Not counted in ClinVar's aggregate classification.

Diagnostic Laboratory, Department of Genetics, University Medical Center Groningen
Classification: Benign. Review status: no assertion criteria provided. Collection method: clinical testing. Allele origin: germline. Affected: yes. Study: VKGL Data-share Consensus. Not counted in ClinVar's aggregate classification.

Institute of Human Genetics, University of Wuerzburg
No classification provided. Condition: Hypertrophic cardiomyopathy 2. Review status: no classification provided. Collection method: clinical testing. Allele origin: unknown. Affected: yes. Observed: 1 variant allele. Not counted in ClinVar's aggregate classification.